The following is an entry in ClinVar:

ClinVar aggregate classification (germline): Uncertain significance (1 of 4 stars; one submission).

Conditions:
Neuropathy, hereditary sensory and autonomic, type 2A (HSAN2A). Also called: ACROOSTEOLYSIS, GIACCAI TYPE; ACROOSTEOLYSIS, NEUROGENIC; MORVAN DISEASE; NEUROPATHY, CONGENITAL SENSORY; NEUROPATHY, HEREDITARY SENSORY RADICULAR, AUTOSOMAL RECESSIVE; NEUROPATHY, HEREDITARY SENSORY, TYPE IIA. Identifiers: Orphanet 970, MedGen C2752089, MONDO:0024309, OMIM 201300.
Pseudohypoaldosteronism type 2C (PHA2C). Also called: Pseudohypoaldosteronism Type IIC. Identifiers: Orphanet 757, Orphanet 88940, MedGen C1840391, MONDO:0013778, OMIM 614492.

Allele frequency attached by ClinVar (database versions not stated): gnomAD 0.00001; gnomAD exomes 0.00001; TOPMed 0.00001.
gnomAD v4.1: 17 of 1,613,370 alleles (0.0011%); highest among the groups gnomAD compares: Non-Finnish European, 0.0014%; no homozygotes.

Submission:

Labcorp Genetics (formerly Invitae), Labcorp
Classification: Uncertain significance for Neuropathy, hereditary sensory and autonomic, type 2A; Pseudohypoaldosteronism type 2C. Last evaluated: 2024-10-15. Review status: criteria provided, single submitter. Criteria: Invitae Variant Classification Sherloc (09022015). Collection method: clinical testing. Allele origin: germline.
Comment: This sequence change replaces threonine, which is neutral and polar, with methionine, which is neutral and non-polar, at codon 311 of the WNK1 protein (p.Thr311Met). This variant is present in population databases (no rsID available, gnomAD 0.01%). This variant has not been reported in the literature in individuals affected with WNK1-related conditions. ClinVar contains an entry for this variant (Variation ID: 1468896). Experimental studies and prediction algorithms are not available or were not evaluated, and the functional significance of this variant is currently unknown. In summary, the available evidence is currently insufficient to determine the role of this variant in disease. Therefore, it has been classified as a Variant of Uncertain Significance.

NM_018979.4(WNK1):c.932C>T (p.Thr311Met)

Gene: WNK1 (WNK lysine deficient protein kinase 1; plus strand). Cytogenetic location: 12p13.33.
Variant type: single nucleotide variant.
Coding change: c.932C>T on transcript NM_018979.4 (MANE Select); coding-DNA position 932, C replaced by T.
Protein change: p.Thr311Met; replaces threonine 311 with methionine.
Molecular consequence: missense variant.
Genome position (GRCh38, 1-based): chr12:813,814, C>T. VCF-style: chr12-813814-C-T. GRCh37 (hg19) VCF-style: chr12-922980-C-T.
Other names: c.932C>T, p.Thr311Met (NM_001184985.2, NM_014823.3, NM_213655.5); short protein forms T311M.
Identifiers: ClinVar variation 1468896 (VCV001468896.6), dbSNP rs894110021, ClinGen allele CA231463534.